The following is an entry in ClinVar:

ClinVar aggregate classification (germline): Benign. Review status: criteria provided, single submitter (1 of 4 stars). 2 submissions from 2 submitters: Benign (1). 1 of the submissions does not count toward it. Last evaluated 2019-12-31.

Conditions:
ITPR3-related disorder. Also called: ITPR3-related condition.

Allele frequency attached by ClinVar (database versions not stated): gnomAD exomes 0.00061; ExAC 0.00069; 1000 Genomes Project 0.00140; 1000 Genomes Project 30x 0.00172; gnomAD 0.00198 and 0.00213; ESP Exome Variant Server 0.00215; TOPMed 0.00230.
gnomAD v4.1: 713 of 1,608,818 alleles (0.044%); highest among the groups gnomAD compares: African/African-American, 0.66%; 2 homozygotes.

Submissions (4):

Labcorp Genetics (formerly Invitae), Labcorp
Classification: Benign. Last evaluated: 2019-12-31. Review status: criteria provided, single submitter. Criteria: Invitae Variant Classification Sherloc (09022015). Collection method: clinical testing. Allele origin: germline.

PreventionGenetics, part of Exact Sciences
Classification: Likely benign for ITPR3-related condition. Last evaluated: 2020-01-28. Review status: no assertion criteria provided. Collection method: clinical testing. Allele origin: germline. Not counted in ClinVar's aggregate classification.
Comment: This variant is classified as likely benign based on ACMG/AMP sequence variant interpretation guidelines (Richards et al. 2015 PMID: 25741868, with internal and published modifications).

Dr. Peter K. Rogan Lab, Western University
No classification provided (evidence only). Condition: Familial cancer of breast. Review status: no classification provided. Collection method: in vitro. Allele origin: not applicable. Functional consequence: retained intron. Not counted in ClinVar's aggregate classification.

Dr. Peter K. Rogan Lab, Western University
No classification provided (evidence only). Condition: Familial cancer of breast. Review status: no classification provided. Collection method: in vitro. Allele origin: not applicable. Functional consequence: retained intron. Not counted in ClinVar's aggregate classification.

NM_002224.4(ITPR3):c.6696C>T (p.Gly2232=)

Gene: ITPR3 (inositol 1,4,5-trisphosphate receptor type 3; plus strand). Cytogenetic location: 6p21.31.
Variant type: single nucleotide variant.
Coding change: c.6696C>T on transcript NM_002224.4 (MANE Select); coding-DNA position 6696, C replaced by T.
Protein change: p.Gly2232=; no amino-acid change (glycine 2232 retained).
Molecular consequence: synonymous variant.
Genome position (GRCh38, 1-based): chr6:33,689,239, C>T. VCF-style: chr6-33689239-C-T. GRCh37 (hg19) VCF-style: chr6-33657016-C-T.
Other names: NC_000006.11:g.33657016C>T.
Identifiers: ClinVar variation 791583 (VCV000791583.7), dbSNP rs150616390, ClinGen allele CA3761991.